The following is an entry in ClinVar:

ClinVar aggregate classification (germline): Uncertain significance. Review status: criteria provided, multiple submitters, no conflicts (2 of 4 stars). 3 submissions from 3 submitters: Uncertain significance (3). Last evaluated 2024-10-12.

Conditions:
Juvenile polyposis syndrome (JPS). Identifiers: Orphanet 2929, MedGen C0345893, MONDO:0017380, OMIM 174900.
Hereditary cancer-predisposing syndrome. Also called: Hereditary Cancer Syndrome; Hereditary neoplastic syndrome; Neoplastic Syndromes, Hereditary; Tumor predisposition. Identifiers: Orphanet 140162, MedGen C0027672, MeSH D009386, MONDO:0015356.

Submissions (3):

Ambry Genetics
Classification: Uncertain significance for Hereditary cancer-predisposing syndrome. Last evaluated: 2024-10-12. Review status: criteria provided, single submitter. Criteria: Ambry Variant Classification Scheme 2023. Collection method: clinical testing. Allele origin: germline.
Comment: The p.A161V variant (also known as c.482C>T), located in coding exon 5 of the BMPR1A gene, results from a C to T substitution at nucleotide position 482. The alanine at codon 161 is replaced by valine, an amino acid with similar properties. This amino acid position is conserved. In addition, this alteration is predicted to be tolerated by in silico analysis. Based on the available evidence, the clinical significance of this variant remains unclear.

Color Diagnostics, LLC DBA Color Health
Classification: Uncertain significance for Hereditary cancer-predisposing syndrome. Last evaluated: 2024-03-06. Review status: criteria provided, single submitter. Criteria: ACMG Guidelines, 2015. Collection method: clinical testing. Allele origin: germline.
Comment: This missense variant replaces alanine with valine at codon 161 of the BMPR1A protein. Computational prediction tool suggests that this variant may not impact protein structure and function (internally defined REVEL score threshold <=0.5, PMID: 27666373). Splice site prediction tools suggest that this variant may not impact RNA splicing. To our knowledge, functional studies have not been performed for this variant. This variant has not been reported in individuals affected with hereditary cancer in the literature. This variant has not been identified in the general population by the Genome Aggregation Database (gnomAD). The available evidence is insufficient to determine the role of this variant in disease conclusively. Therefore, this variant is classified as a Variant of Uncertain Significance.

Labcorp Genetics (formerly Invitae), Labcorp
Classification: Uncertain significance for Juvenile polyposis syndrome. Last evaluated: 2024-02-13. Review status: criteria provided, single submitter. Criteria: Invitae Variant Classification Sherloc (09022015). Collection method: clinical testing. Allele origin: germline.
Comment: This sequence change replaces alanine, which is neutral and non-polar, with valine, which is neutral and non-polar, at codon 161 of the BMPR1A protein (p.Ala161Val). This variant is not present in population databases (gnomAD no frequency). This variant has not been reported in the literature in individuals affected with BMPR1A-related conditions. ClinVar contains an entry for this variant (Variation ID: 920928). Advanced modeling of protein sequence and biophysical properties (such as structural, functional, and spatial information, amino acid conservation, physicochemical variation, residue mobility, and thermodynamic stability) performed at Invitae indicates that this missense variant is not expected to disrupt BMPR1A protein function with a negative predictive value of 80%. In summary, the available evidence is currently insufficient to determine the role of this variant in disease. Therefore, it has been classified as a Variant of Uncertain Significance.

NM_004329.3(BMPR1A):c.482C>T (p.Ala161Val)

Gene: BMPR1A (bone morphogenetic protein receptor type 1A; plus strand). Cytogenetic location: 10q23.2.
Variant type: single nucleotide variant.
Coding change: c.482C>T on transcript NM_004329.3 (MANE Select); coding-DNA position 482, C replaced by T.
Protein change: p.Ala161Val; replaces alanine 161 with valine.
Molecular consequence: missense variant.
Genome position (GRCh38, 1-based): chr10:86,900,078, C>T. VCF-style: chr10-86900078-C-T. GRCh37 (hg19) VCF-style: chr10-88659835-C-T.
Other names: short protein forms A161V.
Identifiers: ClinVar variation 920928 (VCV000920928.7), dbSNP rs1843287265, ClinGen allele CA377450414.